The following is an entry in ClinVar:

ClinVar aggregate classification (germline): Uncertain significance (1 of 4 stars; one submission).

Conditions:
Colorectal cancer, hereditary nonpolyposis, type 7. Identifiers: Orphanet 144, MedGen C1858380, MONDO:0013725, OMIM 614385.

Submission:

Labcorp Genetics (formerly Invitae), Labcorp
Classification: Uncertain significance for Colorectal cancer, hereditary nonpolyposis, type 7. Last evaluated: 2023-05-25. Review status: criteria provided, single submitter. Criteria: Invitae Variant Classification Sherloc (09022015). Collection method: clinical testing. Allele origin: germline.
Comment: This variant is not present in population databases (gnomAD no frequency). This sequence change replaces methionine, which is neutral and non-polar, with lysine, which is basic and polar, at codon 1185 of the MLH3 protein (p.Met1185Lys). An algorithm developed to predict the effect of missense changes on protein structure and function (PolyPhen-2) suggests that this variant is likely to be disruptive. This variant has not been reported in the literature in individuals affected with MLH3-related conditions. In summary, the available evidence is currently insufficient to determine the role of this variant in disease. Therefore, it has been classified as a Variant of Uncertain Significance.

NM_001040108.2(MLH3):c.3554T>A (p.Met1185Lys)

Gene: MLH3 (mutL homolog 3; minus strand). Cytogenetic location: 14q24.3.
Variant type: single nucleotide variant.
Coding change: c.3554T>A on transcript NM_001040108.2 (MANE Select); coding-DNA position 3554, T replaced by A.
Protein change: p.Met1185Lys; replaces methionine 1185 with lysine.
Molecular consequence: missense variant.
Genome position (GRCh38, 1-based): chr14:75,039,927, A>T on the plus strand (T>A on the coding strand, the complement: MLH3 is on the minus strand). VCF-style: chr14-75039927-A-T. GRCh37 (hg19) VCF-style: chr14-75506630-A-T.
Other names: c.3554T>A, p.Met1185Lys (NM_014381.3); short protein forms M1185K.
Identifiers: ClinVar variation 2719240 (VCV002719240.3), dbSNP rs2503194998, ClinGen allele CA390428374.
Genomic context (GRCh38, chr14:75,039,927, plus strand): 5'-ATATATATATATATATTTATGAGATTTTGAAGTTAATCTTTTACCTGCATTGAATGAATC[A>T]TTCCTTTGGTGAAACGATAGGGATACAAGATGTTGTGAATTTTAACTGCTAAGCTCTCAG-3'
Protein context (NP_001035197.1, residues 1175-1195): ILYPYRFTKG[Met1185Lys]IHSMQVLQQV